The following is an entry in ClinVar:

NM_025114.4(CEP290):c.5482A>C (p.Lys1828Gln)

Gene: CEP290 (centrosomal protein 290; minus strand). Cytogenetic location: 12q21.32.
Variant type: single nucleotide variant.
Coding change: c.5482A>C on transcript NM_025114.4 (MANE Select); coding-DNA position 5482, A replaced by C.
Protein change: p.Lys1828Gln; replaces lysine 1828 with glutamine.
Molecular consequence: missense variant.
Genome position (GRCh38, 1-based): chr12:88,077,801, T>G on the plus strand (A>C on the coding strand, the complement: CEP290 is on the minus strand). VCF-style: chr12-88077801-T-G. GRCh37 (hg19) VCF-style: chr12-88471578-T-G.
Other names: short protein forms K1828Q.
Identifiers: ClinVar variation 4990208 (VCV004990208.1).

ClinVar aggregate classification (germline): Uncertain significance (1 of 4 stars; one submission).

Conditions:
CEP290-related disorder. Also called: CEP290-related condition; CEP290-related disorders. Identifiers: MedGen CN239314.

Submission:

PreventionGenetics, part of Exact Sciences
Classification: Uncertain significance for CEP290-related condition. Last evaluated: 2025-05-28. Review status: criteria provided, single submitter. Criteria: ACMG Guidelines, 2015. Collection method: clinical testing. Allele origin: germline.
Comment: The CEP290 c.5482A>C variant is predicted to result in the amino acid substitution p.Lys1828Gln. To our knowledge, this variant has not been reported in the literature or in a large population database (gnomAD), indicating this variant is rare. At this time, the clinical significance of this variant is uncertain due to the absence of conclusive functional and genetic evidence.